The following is an entry in ClinVar:

ClinVar aggregate classification (germline): Uncertain significance (1 of 4 stars; one submission).

Conditions:
Hereditary cancer-predisposing syndrome. Also called: Neoplastic Syndromes, Hereditary; Tumor predisposition; Hereditary Cancer Syndrome; Hereditary neoplastic syndrome. Identifiers: Orphanet 140162, MedGen C0027672, MeSH D009386, MONDO:0015356.

Submission:

Ambry Genetics
Classification: Uncertain significance for Hereditary cancer-predisposing syndrome. Last evaluated: 2021-11-09. Review status: criteria provided, single submitter. Criteria: Ambry Variant Classification Scheme 2023. Collection method: clinical testing. Allele origin: germline.
Comment: The p.Y1180C variant (also known as c.3539A>G), located in coding exon 20 of the DICER1 gene, results from an A to G substitution at nucleotide position 3539. The tyrosine at codon 1180 is replaced by cysteine, an amino acid with highly dissimilar properties. This amino acid position is well conserved in available vertebrate species. In addition, the in silico prediction for this alteration is inconclusive. Since supporting evidence is limited at this time, the clinical significance of this alteration remains unclear.

NM_177438.3(DICER1):c.3539A>G (p.Tyr1180Cys)

Gene: DICER1 (dicer 1, ribonuclease III; minus strand). Cytogenetic location: 14q32.13.
Variant type: single nucleotide variant.
Coding change: c.3539A>G on transcript NM_177438.3 (MANE Select); coding-DNA position 3539, A replaced by G.
Protein change: p.Tyr1180Cys; replaces tyrosine 1180 with cysteine.
Molecular consequence: missense variant. On other transcripts: non-coding transcript variant (6).
Genome position (GRCh38, 1-based): chr14:95,103,857, T>C on the plus strand (A>G on the coding strand, the complement: DICER1 is on the minus strand). VCF-style: chr14-95103857-T-C. GRCh37 (hg19) VCF-style: chr14-95570194-T-C.
Other names: c.3539A>G, p.Tyr1180Cys (NM_001195573.1, NM_001271282.3, NM_001291628.2 and 13 more transcripts); c.3257A>G, p.Tyr1086Cys (NM_001395686.1); c.3134A>G, p.Tyr1045Cys (NM_001395687.1, NM_001395688.1, NM_001395689.1 and 2 more transcripts); c.2972A>G, p.Tyr991Cys (NM_001395691.1); c.1856A>G, p.Tyr619Cys (NM_001395697.1); short protein forms Y1086C, Y991C, Y1045C, Y1180C, Y619C.
Identifiers: ClinVar variation 1732429 (VCV001732429.2), dbSNP rs2542709428, ClinGen allele CA390875018.
Genomic context (GRCh38, chr14:95,103,857, plus strand): 5'-TTTCCTTGGCAAAAGTCTCTGTTAGCTAAATCATAACTGCCATTGGCGAGATTTTGATTG[T>C]AAGAAAGACCATTAATTGCTGTAAGATCTGCTGAAACTTCAACGTGGAGCTTACCAGGGG-3'
Protein context (NP_803187.1, residues 1170-1190): ADLTAINGLS[Tyr1180Cys]NQNLANGSYD